The following is an entry in ClinVar:

ClinVar aggregate classification (germline): Uncertain significance (1 of 4 stars; one submission).

Conditions:
Centromeric instability of chromosomes 1,9 and 16 and immunodeficiency (ICF1). Also called: CENTROMERIC INSTABILITY, IMMUNODEFICIENCY SYNDROME; Immunodeficiency-centromeric instability-facial anomalies; IMMUNE DEFICIENCY, VARIABLE, WITH CENTROMERIC INSTABILITY OF CHROMOSOMES 1, 9, AND 16; IMMUNODEFICIENCY SYNDROME, VARIABLE. Identifiers: Orphanet 2268, MedGen C0398788, MONDO:0000133.

Allele frequency attached by ClinVar (database versions not stated): gnomAD exomes below 0.00001; TOPMed below 0.00001; ExAC 0.00001; ESP Exome Variant Server 0.00008.
gnomAD v4.1: 1 of 1,614,180 alleles (0.000062%); highest among the groups gnomAD compares: Non-Finnish European, 0.000085%; no homozygotes.

Submission:

Labcorp Genetics (formerly Invitae), Labcorp
Classification: Uncertain significance for Centromeric instability of chromosomes 1,9 and 16 and immunodeficiency. Last evaluated: 2022-07-19. Review status: criteria provided, single submitter. Criteria: Invitae Variant Classification Sherloc (09022015). Collection method: clinical testing. Allele origin: germline.
Comment: This sequence change replaces aspartic acid, which is acidic and polar, with asparagine, which is neutral and polar, at codon 219 of the DNMT3B protein (p.Asp219Asn). This variant is present in population databases (rs376006476, gnomAD 0.007%). This variant has not been reported in the literature in individuals affected with DNMT3B-related conditions. ClinVar contains an entry for this variant (Variation ID: 1497425). Algorithms developed to predict the effect of missense changes on protein structure and function are either unavailable or do not agree on the potential impact of this missense change (SIFT: "Deleterious"; PolyPhen-2: "Benign"; Align-GVGD: "Class C15"). In summary, the available evidence is currently insufficient to determine the role of this variant in disease. Therefore, it has been classified as a Variant of Uncertain Significance.

NM_006892.4(DNMT3B):c.655G>A (p.Asp219Asn)

Gene: DNMT3B (DNA methyltransferase 3 beta; plus strand). Cytogenetic location: 20q11.21.
Variant type: single nucleotide variant.
Coding change: c.655G>A on transcript NM_006892.4 (MANE Select); coding-DNA position 655, G replaced by A.
Protein change: p.Asp219Asn; replaces aspartic acid 219 with asparagine.
Molecular consequence: missense variant.
Genome position (GRCh38, 1-based): chr20:32,788,854, G>A. VCF-style: chr20-32788854-G-A. GRCh37 (hg19) VCF-style: chr20-31376660-G-A.
Other names: c.529G>A, p.Asp177Asn (NM_001207055.2); c.427G>A, p.Asp143Asn (NM_001207056.2); c.655G>A, p.Asp219Asn (NM_175848.2, NM_175849.2); c.691G>A, p.Asp231Asn (NM_175850.3); short protein forms D143N, D219N, D177N, D231N.
Identifiers: ClinVar variation 1497425 (VCV001497425.5), dbSNP rs376006476, ClinGen allele CA9810288.
Genomic context (GRCh38, chr20:32,788,854, plus strand): 5'-AGGACTTGGCCCAGGATGGCCTCTCCTCACTGGGATTTCTTCATGTGGGTTTTCTTCCAG[G>A]ATGGGAAGGAGTTTGGAATAGGGGACCTCGTGTGGGGAAAGATCAAGGGCTTCTCCTGGT-3'
Protein context (NP_008823.1, residues 209-229): SGDGDSSEYQ[Asp219Asn]GKEFGIGDLV